The following is an entry in ClinVar:

NM_001384732.1(CPLANE1):c.215A>C (p.Asn72Thr)

Gene: CPLANE1 (ciliogenesis and planar polarity effector complex subunit 1; minus strand). Cytogenetic location: 5p13.2.
Variant type: single nucleotide variant.
Coding change: c.215A>C on transcript NM_001384732.1 (MANE Select); coding-DNA position 215, A replaced by C.
Protein change: p.Asn72Thr; replaces asparagine 72 with threonine.
Molecular consequence: missense variant.
Genome position (GRCh38, 1-based): chr5:37,245,712, T>G on the plus strand (A>C on the coding strand, the complement: CPLANE1 is on the minus strand). VCF-style: chr5-37245712-T-G. GRCh37 (hg19) VCF-style: chr5-37245814-T-G.
Other names: c.215A>C, p.Asn72Thr (NM_023073.4); short protein forms N72T.
Identifiers: ClinVar variation 1492339 (VCV001492339.8), dbSNP rs1482203832, ClinGen allele CA359524040.
Genomic context (GRCh38, chr5:37,245,712, plus strand): 5'-ACCCTAAGTTATTAAAAAATATAGTTTTAGCCATTTGAAAATATCAGTACTACTTAACCA[T>G]TACTGGATGTTGTTAGGACAATAACATCCTTCAAGAAAGGCTGCAGACTAGGAATTTTCT-3'
Protein context (NP_001371661.1, residues 62-82): KDVIVLTTSS[Asn72Thr]DAWLAGVLTT

ClinVar aggregate classification (germline): Uncertain significance (1 of 4 stars; one submission).

Allele frequency attached by ClinVar (database versions not stated): gnomAD exomes 0.00001.
gnomAD v4.1: 3 of 1,511,114 alleles (0.0002%); highest among the groups gnomAD compares: Non-Finnish European, 0.00026%; no homozygotes.

Submission:

Labcorp Genetics (formerly Invitae), Labcorp
Classification: Uncertain significance. Last evaluated: 2022-03-10. Review status: criteria provided, single submitter. Criteria: Invitae Variant Classification Sherloc (09022015). Collection method: clinical testing. Allele origin: germline.
Comment: This sequence change replaces asparagine, which is neutral and polar, with threonine, which is neutral and polar, at codon 72 of the CPLANE1 protein (p.Asn72Thr). In summary, the available evidence is currently insufficient to determine the role of this variant in disease. Therefore, it has been classified as a Variant of Uncertain Significance. Algorithms developed to predict the effect of missense changes on protein structure and function are either unavailable or do not agree on the potential impact of this missense change (SIFT: "Deleterious"; PolyPhen-2: "Probably Damaging"; Align-GVGD: "Class C0"). This variant has not been reported in the literature in individuals affected with CPLANE1-related conditions. This variant is present in population databases (no rsID available, gnomAD 0.002%).